The following is an entry in ClinVar:

NM_003079.5(SMARCE1):c.791A>G (p.Asp264Gly)

Gene: SMARCE1 (SWI/SNF related BAF chromatin remodeling complex subunit E1; minus strand). Cytogenetic location: 17q21.2.
Variant type: single nucleotide variant.
Coding change: c.791A>G on transcript NM_003079.5 (MANE Select); coding-DNA position 791, A replaced by G.
Protein change: p.Asp264Gly; replaces aspartic acid 264 with glycine.
Molecular consequence: missense variant.
Genome position (GRCh38, 1-based): chr17:40,631,617, T>C on the plus strand (A>G on the coding strand, the complement: SMARCE1 is on the minus strand). VCF-style: chr17-40631617-T-C. GRCh37 (hg19) VCF-style: chr17-38787869-T-C.
Other names: short protein forms D264G.
Identifiers: ClinVar variation 1931603 (VCV001931603.5), dbSNP rs2508597312, ClinGen allele CA399364238.

ClinVar aggregate classification (germline): Uncertain significance (1 of 4 stars; one submission).

Conditions:
Familial meningioma. Also called: Meningioma, familial, susceptibility to. Identifiers: Orphanet 263662, MedGen C3551915, MONDO:0011789, OMIM 607174.

Submission:

Labcorp Genetics (formerly Invitae), Labcorp
Classification: Uncertain significance for Familial meningioma. Last evaluated: 2023-07-10. Review status: criteria provided, single submitter. Criteria: Invitae Variant Classification Sherloc (09022015). Collection method: clinical testing. Allele origin: germline.
Comment: This variant is not present in population databases (gnomAD no frequency). This sequence change replaces aspartic acid, which is acidic and polar, with glycine, which is neutral and non-polar, at codon 264 of the SMARCE1 protein (p.Asp264Gly). This variant has not been reported in the literature in individuals affected with SMARCE1-related conditions. In summary, the available evidence is currently insufficient to determine the role of this variant in disease. Therefore, it has been classified as a Variant of Uncertain Significance. Algorithms developed to predict the effect of sequence changes on RNA splicing suggest that this variant may create or strengthen a splice site. Advanced modeling of protein sequence and biophysical properties (such as structural, functional, and spatial information, amino acid conservation, physicochemical variation, residue mobility, and thermodynamic stability) performed at Invitae indicates that this missense variant is not expected to disrupt SMARCE1 protein function. ClinVar contains an entry for this variant (Variation ID: 1931603).